The following is an entry in ClinVar:

ClinVar aggregate classification (germline): Benign/Likely benign. Review status: criteria provided, multiple submitters, no conflicts (2 of 4 stars). 5 submissions from 5 submitters: Benign (1); Likely benign (4). Last evaluated 2025-03-28.

Conditions:
Hereditary cancer-predisposing syndrome. Also called: Hereditary neoplastic syndrome; Tumor predisposition; Neoplastic Syndromes, Hereditary; Hereditary Cancer Syndrome. Identifiers: Orphanet 140162, MedGen C0027672, MeSH D009386, MONDO:0015356.
Peutz-Jeghers syndrome (PJS). Also called: Peutz-Jeghers polyposis; Periorificial lentiginosis syndrome; POLYPOSIS, HAMARTOMATOUS INTESTINAL; POLYPS-AND-SPOTS SYNDROME. Identifiers: Orphanet 2869, MedGen C0031269, MeSH D010580, MONDO:0008280, OMIM 175200.

Submissions (5):

Myriad Genetics, Inc.
Classification: Benign for Peutz-Jeghers syndrome. Last evaluated: 2025-03-28. Review status: criteria provided, single submitter. Criteria: Myriad Autosomal Dominant, Autosomal Recessive and X-Linked Classification Criteria (2023). Collection method: clinical testing. Allele origin: unknown.
Comment: This variant is considered benign. This variant is a silent/synonymous amino acid change and it is not expected to impact splicing.

Color Diagnostics, LLC DBA Color Health
Classification: Likely benign for Hereditary cancer-predisposing syndrome. Last evaluated: 2021-07-06. Review status: criteria provided, single submitter. Criteria: ACMG Guidelines, 2015. Collection method: clinical testing. Allele origin: germline.

Labcorp Genetics (formerly Invitae), Labcorp
Classification: Likely benign for Peutz-Jeghers syndrome. Last evaluated: 2020-05-22. Review status: criteria provided, single submitter. Criteria: Invitae Variant Classification Sherloc (09022015). Collection method: clinical testing. Allele origin: germline.

Ambry Genetics
Classification: Likely benign for Hereditary cancer-predisposing syndrome. Last evaluated: 2018-09-21. Review status: criteria provided, single submitter. Criteria: Ambry Variant Classification Scheme 2023. Collection method: clinical testing. Allele origin: germline.

GeneDx
Classification: Likely benign. Last evaluated: 2016-02-01. Review status: criteria provided, single submitter. Criteria: GeneDx Variant Classification (06012015). Collection method: clinical testing. Allele origin: germline. Affected: yes.
Comment: This variant is considered likely benign or benign based on one or more of the following criteria: it is a conservative change, it occurs at a poorly conserved position in the protein, it is predicted to be benign by multiple in silico algorithms, and/or has population frequency not consistent with disease.

NM_000455.5(STK11):c.1140T>C (p.Asn380=)

Gene: STK11 (serine/threonine kinase 11; plus strand). Cytogenetic location: 19p13.3.
Variant type: single nucleotide variant.
Coding change: c.1140T>C on transcript NM_000455.5 (MANE Select); coding-DNA position 1140, T replaced by C.
Protein change: p.Asn380=; no amino-acid change (asparagine 380 retained).
Molecular consequence: synonymous variant.
Genome position (GRCh38, 1-based): chr19:1,226,485, T>C. VCF-style: chr19-1226485-T-C. GRCh37 (hg19) VCF-style: chr19-1226484-T-C.
Identifiers: ClinVar variation 383537 (VCV000383537.17), dbSNP rs1057521658, ClinGen allele CA16608848.